The following is an entry in ClinVar:

ClinVar aggregate classification (germline): Likely benign (1 of 4 stars; one submission).

gnomAD v4.1: 89 of 1,549,474 alleles (0.0057%); highest among the groups gnomAD compares: Non-Finnish European, 0.007%; no homozygotes.

Submission:

CeGaT Center for Human Genetics Tuebingen
Classification: Likely benign. Last evaluated: 2026-07-01. Review status: criteria provided, single submitter. Criteria: CeGaT Center For Human Genetics Tuebingen Variant Classification Criteria Version 2. Collection method: clinical testing. Allele origin: germline. Affected: yes. Observed: 1 variant allele.
Comment: FBRSL1: BP4, BP7

NM_001367871.1(FBRSL1):c.1629+42G>C

Gene: FBRSL1 (fibrosin like 1; plus strand). Cytogenetic location: 12q24.33.
Variant type: single nucleotide variant.
Coding change: c.1629+42G>C on transcript NM_001367871.1 (MANE Select); 42 bases into the intron after coding-DNA position 1629, G replaced by C.
Molecular consequence: intron variant. On other transcripts: synonymous variant (1).
Genome position (GRCh38, 1-based): chr12:132,574,390, G>C. VCF-style: chr12-132574390-G-C. GRCh37 (hg19) VCF-style: chr12-133150976-G-C.
Other names: c.1656G>C, p.Leu552= (NM_001142641.2); c.1683+42G>C (NM_001382739.1); c.1213+3850G>C (NM_001382740.1).
Identifiers: ClinVar variation 5039362 (VCV005039362.1).